The following is an entry in ClinVar:

NM_004612.4(TGFBR1):c.688G>A (p.Ala230Thr)

Gene: TGFBR1 (transforming growth factor beta receptor 1; plus strand). Cytogenetic location: 9q22.33.
Variant type: single nucleotide variant.
Coding change: c.688G>A on transcript NM_004612.4 (MANE Select); coding-DNA position 688, G replaced by A.
Protein change: p.Ala230Thr; replaces alanine 230 with threonine.
Molecular consequence: missense variant. On other transcripts: non-coding transcript variant (4), intron variant (2).
Genome position (GRCh38, 1-based): chr9:99,137,972, G>A. VCF-style: chr9-99137972-G-A. GRCh37 (hg19) VCF-style: chr9-101900254-G-A.
Other names: c.493G>A, p.Ala165Thr (NM_001407422.1, NM_001407418.1, NM_001407419.1 and 1 more transcripts); c.481G>A, p.Ala161Thr (NM_001407423.1, NM_001407424.1, NM_001407425.1 and 8 more transcripts); c.442G>A, p.Ala148Thr (NM_001407436.1); c.211G>A, p.Ala71Thr (NM_001407438.1); c.575-4564G>A (NM_001407435.1); c.98-4564G>A (NM_001407437.1); c.457G>A, p.Ala153Thr (NM_001130916.3); c.700G>A, p.Ala234Thr (NM_001306210.2, NM_001407416.1); and 1 more; short protein forms A148T, A153T, A161T, A165T, A230T, A234T, A71T.
Identifiers: ClinVar variation 3899364 (VCV003899364.2).

ClinVar aggregate classification (germline): Pathogenic (1 of 4 stars; one submission).

Conditions:
Loeys-Dietz syndrome 1 (LDS1). Also called: FURLONG SYNDROME; TGFBR1-Related Loeys-Dietz Syndrome; AORTIC ANEURYSM, FAMILIAL THORACIC 5. Identifiers: Orphanet 60030, MedGen C4551955, MONDO:0012212, OMIM 609192.

Submission:

Juno Genomics, Hangzhou Juno Genomics, Inc
Classification: Pathogenic for Loeys-Dietz syndrome 1. Review status: criteria provided, single submitter. Criteria: ACMG Guidelines, 2015. Collection method: clinical testing. Allele origin: germline. Affected: yes.
Comment: Absent from controls (or at extremely low frequency if recessive) in Genome Aggregation Database, Exome Sequencing Project, 1000 Genomes Project, or Exome Aggregation Consortium.;Multiple lines of computational evidence support a deleterious effect on the gene or gene product (conservation, evolutionary, splicing impact, etc).;Missense variant in a gene that has a low rate of benign missense variation and where missense variants are a common mechanism of disease.;Co-segregation with disease in multiple affected family members in a gene definitively known to cause the disease.